The following is an entry in ClinVar:

NM_152564.5(VPS13B):c.11434C>T (p.Arg3812Cys)

Gene: VPS13B (vacuolar protein sorting 13 homolog B; plus strand). Cytogenetic location: 8q22.2.
Variant type: single nucleotide variant.
Coding change: c.11434C>T on transcript NM_152564.5 (MANE Select); coding-DNA position 11434, C replaced by T.
Protein change: p.Arg3812Cys; replaces arginine 3812 with cysteine.
Molecular consequence: missense variant.
Genome position (GRCh38, 1-based): chr8:99,870,826, C>T. VCF-style: chr8-99870826-C-T. GRCh37 (hg19) VCF-style: chr8-100883054-C-T.
Other names: c.11509C>T, p.Arg3837Cys (NM_017890.5); c.11434C>T (NM_152564.4); short protein forms R3812C, R3837C.
Identifiers: ClinVar variation 1327842 (VCV001327842.8), dbSNP rs369891888, ClinGen allele CA4825240.

ClinVar aggregate classification (germline): Uncertain significance. Review status: criteria provided, multiple submitters, no conflicts (2 of 4 stars). 5 submissions from 5 submitters: Uncertain significance (5). Last evaluated 2026-06-03.

Conditions:
Cohen syndrome (COH1). Also called: PEPPER SYNDROME; Cutis verticis gyrata, retinitis pigmentosa, and sensorineural deafness. Identifiers: Orphanet 193, MedGen C0265223, MONDO:0008999, OMIM 216550.
Inborn genetic diseases. Identifiers: MedGen C0950123, MeSH D030342.
VPS13B-related disorder. Also called: VPS13B-related condition.

Allele frequency attached by ClinVar (database versions not stated): ExAC 0.00002; gnomAD exomes 0.00002 and 0.00004; gnomAD 0.00004; TOPMed 0.00005; ESP Exome Variant Server 0.00008.
gnomAD v4.1: 61 of 1,614,072 alleles (0.0038%); highest among the groups gnomAD compares: East Asian, 0.0045%; no homozygotes.

Submissions (5):

PreventionGenetics, part of Exact Sciences
Classification: Uncertain significance for VPS13B-related condition. Last evaluated: 2026-06-03. Review status: criteria provided, single submitter. Criteria: ACMG Guidelines, 2015. Collection method: clinical testing. Allele origin: germline.
Comment: The VPS13B c.11434C>T variant is predicted to result in the amino acid substitution p.Arg3812Cys. To our knowledge, this variant has not been reported in the literature. This variant is reported in 0.0054% of alleles in individuals of European (Non-Finnish) descent in gnomAD. At this time, the clinical significance of this variant is uncertain due to the absence of conclusive functional and genetic evidence.

Labcorp Genetics (formerly Invitae), Labcorp
Classification: Uncertain significance for Cohen syndrome. Last evaluated: 2023-12-28. Review status: criteria provided, single submitter. Criteria: Invitae Variant Classification Sherloc (09022015). Collection method: clinical testing. Allele origin: germline.
Comment: This sequence change replaces arginine, which is basic and polar, with cysteine, which is neutral and slightly polar, at codon 3837 of the VPS13B protein (p.Arg3837Cys). This variant is present in population databases (rs369891888, gnomAD 0.006%). This variant has not been reported in the literature in individuals affected with VPS13B-related conditions. ClinVar contains an entry for this variant (Variation ID: 1327842). Advanced modeling of protein sequence and biophysical properties (such as structural, functional, and spatial information, amino acid conservation, physicochemical variation, residue mobility, and thermodynamic stability) performed at Invitae indicates that this missense variant is expected to disrupt VPS13B protein function with a positive predictive value of 80%. In summary, the available evidence is currently insufficient to determine the role of this variant in disease. Therefore, it has been classified as a Variant of Uncertain Significance.

GeneDx
Classification: Uncertain significance. Last evaluated: 2021-12-09. Review status: criteria provided, single submitter. Criteria: GeneDx Variant Classification Process June 2021. Collection method: clinical testing. Allele origin: germline. Affected: yes.
Comment: Not observed at significant frequency in large population cohorts (Lek et al., 2016); In silico analysis supports that this missense variant has a deleterious effect on protein structure/function; Has not been previously published as pathogenic or benign to our knowledge

Ambry Genetics
Classification: Uncertain significance for Inborn genetic diseases. Last evaluated: 2021-09-16. Review status: criteria provided, single submitter. Criteria: Ambry Variant Classification Scheme 2023. Collection method: clinical testing. Allele origin: germline.

Fulgent Genetics
Classification: Uncertain significance for Cohen syndrome. Last evaluated: 2021-07-28. Review status: criteria provided, single submitter. Criteria: ACMG Guidelines, 2015. Collection method: clinical testing. Allele origin: unknown.